The following is an entry in ClinVar:

ClinVar aggregate classification (germline): Pathogenic/Likely pathogenic. Review status: criteria provided, multiple submitters, no conflicts (2 of 4 stars). 2 submissions from 2 submitters: Pathogenic (1); Likely pathogenic (1). Last evaluated 2024-01-16.

Conditions:
Wilson disease (WND). Also called: Wilson's disease. Identifiers: Orphanet 905, MedGen C0019202, MONDO:0010200, OMIM 277900. Disease mechanism: loss of function.

Submissions (2):

Baylor Genetics
Classification: Likely pathogenic for Wilson disease. Last evaluated: 2024-01-16. Review status: criteria provided, single submitter. Criteria: ACMG Guidelines, 2015. Collection method: clinical testing. Allele origin: unknown.

Labcorp Genetics (formerly Invitae), Labcorp
Classification: Pathogenic for Wilson disease. Last evaluated: 2023-11-24. Review status: criteria provided, single submitter. Criteria: Invitae Variant Classification Sherloc (09022015). Collection method: clinical testing. Allele origin: germline.
Comment: This sequence change creates a premature translational stop signal (p.Gln826Lysfs*16) in the ATP7B gene. It is expected to result in an absent or disrupted protein product. Loss-of-function variants in ATP7B are known to be pathogenic (PMID: 10441329, 16283883). This variant is not present in population databases (gnomAD no frequency). This variant has not been reported in the literature in individuals affected with ATP7B-related conditions. For these reasons, this variant has been classified as Pathogenic.

Literature cited by the submitters: PubMed 10441329 (cited by Labcorp Genetics (formerly Invitae), Labcorp); PubMed 16283883 (cited by Labcorp Genetics (formerly Invitae), Labcorp).

NM_000053.4(ATP7B):c.2476_2510del (p.Gln826fs)

Gene: ATP7B (ATPase copper transporting beta; minus strand). Cytogenetic location: 13q14.3.
Variant type: Deletion.
Coding change: c.2476_2510del on transcript NM_000053.4 (MANE Select); coding-DNA positions 2476 to 2510, 35 bases deleted.
Protein change: p.Gln826fs; shifts the reading frame from glutamine 826.
Molecular consequence: frameshift variant. On other transcripts: intron variant (1).
Genome position (GRCh38, 1-based): chr13:51,950,337-51,950,371, 35 bases deleted; deleting any 35 consecutive bases within chr13:51,950,337-51,950,372 gives the same sequence; the c. name uses the placement nearest the transcript's 3' end. GRCh37 (hg19): chr13:52,524,474-52,524,508.
Other names: c.1990_2024del, p.Gln664fs (NM_001005918.3, NM_001406541.1, NM_001406542.1 and 1 more transcripts); c.2143_2177del, p.Gln715fs (NM_001243182.2); c.2242_2276del, p.Gln748fs (NM_001330578.2, NM_001406527.1, NM_001406528.1 and 2 more transcripts); c.2224_2258del, p.Gln742fs (NM_001330579.2, NM_001406531.1, NM_001406532.1 and 1 more transcripts); c.2476_2510del, p.Gln826fs (NM_001406511.1, NM_001406512.1, NM_001406513.1 and 7 more transcripts); c.2443_2477del, p.Gln815fs (NM_001406514.1); c.2380_2414del, p.Gln794fs (NM_001406517.1, NM_001406518.1); c.2332_2366del, p.Gln778fs (NM_001406520.1, NM_001406521.1, NM_001406522.1 and 1 more transcripts); and 8 more; short protein forms Q664fs, Q710fs, Q716fs, Q778fs, Q683fs, Q748fs, Q767fs, Q794fs.
Identifiers: ClinVar variation 2820051 (VCV002820051.4), dbSNP rs2547673846, ClinGen allele CA2739277669.
Genomic context (GRCh38, chr13:51,950,336, plus strand): 5'-GATGAGGGACTCATCAGCCATGGTATTGCCTTCCAGGACTTTCCCATCCACTGGAAACTT[TCCCCCAGGGACCACCTTGACGATATCGCCCCGCTG>T]CACCAGCTCCATGGGGACTTGCTCCTCCCTGCAACAAACGCCACTTATCACTCACATGGC-3'